The following is an entry in ClinVar:

ClinVar aggregate classification (germline): Likely benign (1 of 4 stars; one submission).

Allele frequency attached by ClinVar (database versions not stated): 1000 Genomes Project 0.00120; 1000 Genomes Project 30x 0.00156; TOPMed 0.00206; gnomAD exomes 0.00228 and 0.00393; gnomAD 0.00229 and 0.00240; ExAC 0.00235; ESP Exome Variant Server 0.00284.
gnomAD v4.1: 6,010 of 1,614,066 alleles (0.37%); highest among the groups gnomAD compares: Non-Finnish European, 0.46%; 18 homozygotes.

Submissions (5):

CeGaT Center for Human Genetics Tuebingen
Classification: Likely benign. Last evaluated: 2025-09-01. Review status: criteria provided, single submitter. Criteria: CeGaT Center For Human Genetics Tuebingen Variant Classification Criteria Version 2. Collection method: clinical testing. Allele origin: germline. Affected: yes. Observed: 5 variant alleles.
Comment: RIC1: BP4, BS2

Dr. Peter K. Rogan Lab, Western University
No classification provided (evidence only). Condition: Thyroid cancer, nonmedullary, 1. Review status: no classification provided. Collection method: in vitro. Allele origin: not applicable. Functional consequence: retained intron. Not counted in ClinVar's aggregate classification.

Dr. Peter K. Rogan Lab, Western University
No classification provided (evidence only). Condition: Thymoma. Review status: no classification provided. Collection method: in vitro. Allele origin: not applicable. Functional consequence: retained intron. Not counted in ClinVar's aggregate classification.

Dr. Peter K. Rogan Lab, Western University
No classification provided (evidence only). Condition: Germ cell tumor of testis. Review status: no classification provided. Collection method: in vitro. Allele origin: not applicable. Functional consequence: retained intron. Not counted in ClinVar's aggregate classification.

Dr. Peter K. Rogan Lab, Western University
No classification provided (evidence only). Condition: Uterine carcinosarcoma. Review status: no classification provided. Collection method: in vitro. Allele origin: not applicable. Functional consequence: retained intron. Not counted in ClinVar's aggregate classification.

NM_020829.4(RIC1):c.1365T>G (p.Ser455Arg)

Gene: RIC1 (RIC1 partner of RAB6A GEF complex; plus strand). Cytogenetic location: 9p24.1.
Variant type: single nucleotide variant.
Coding change: c.1365T>G on transcript NM_020829.4 (MANE Select); coding-DNA position 1365, T replaced by G.
Protein change: p.Ser455Arg; replaces serine 455 with arginine.
Molecular consequence: missense variant.
Genome position (GRCh38, 1-based): chr9:5,747,418, T>G. VCF-style: chr9-5747418-T-G. GRCh37 (hg19) VCF-style: chr9-5747418-T-G.
Other names: NC_000009.11:g.5747418T>G; c.1365T>G, p.Ser455Arg (NM_001135920.4, NM_001206557.2); short protein forms S455R.
Identifiers: ClinVar variation 1676118 (VCV001676118.34), dbSNP rs142276955, ClinGen allele CA4974582.